The following is an entry in ClinVar:

ClinVar aggregate classification (germline): Uncertain significance (1 of 4 stars; one submission).

Submission:

GeneDx
Classification: Uncertain significance. Last evaluated: 2022-08-16. Review status: criteria provided, single submitter. Criteria: GeneDx Variant Classification Process June 2021. Collection method: clinical testing. Allele origin: germline. Affected: yes.
Comment: Not observed at significant frequency in large population cohorts (gnomAD); In silico analysis supports that this missense variant does not alter protein structure/function; Has not been previously published as pathogenic or benign to our knowledge

NM_001134407.3(GRIN2A):c.2673G>C (p.Gln891His)

Gene: GRIN2A (glutamate ionotropic receptor NMDA type subunit 2A; minus strand). Cytogenetic location: 16p13.2.
Variant type: single nucleotide variant.
Coding change: c.2673G>C on transcript NM_001134407.3 (MANE Select); coding-DNA position 2673, G replaced by C.
Protein change: p.Gln891His; replaces glutamine 891 with histidine.
Molecular consequence: missense variant.
Genome position (GRCh38, 1-based): chr16:9,764,871, C>G on the plus strand (G>C on the coding strand, the complement: GRIN2A is on the minus strand). VCF-style: chr16-9764871-C-G. GRCh37 (hg19) VCF-style: chr16-9858728-C-G.
Other names: c.2673G>C, p.Gln891His (NM_000833.5, NM_001134408.2); short protein forms Q891H.
Identifiers: ClinVar variation 2430479 (VCV002430479.1), dbSNP rs760276946, ClinGen allele CA394709608.